The following is an entry in ClinVar:

ClinVar aggregate classification (germline): Uncertain significance. Review status: criteria provided, multiple submitters, no conflicts (2 of 4 stars). 4 submissions from 4 submitters: Uncertain significance (3). 1 of the submissions does not count toward it. Last evaluated 2026-04-14.

Conditions:
ABCB4-related disorder. Also called: ABCB4-related disorders; ABCB4-related condition.
Familial intrahepatic cholestasis. Identifiers: Orphanet 284385, MedGen CN296401, MONDO:0017290.
Low phospholipid associated cholelithiasis (GBD1). Also called: Gallstone cholecystitis; Gallbladder disease 1. Identifiers: Orphanet 69663, MedGen C2609268, MONDO:0010939, OMIM 600803.

Allele frequency attached by ClinVar (database versions not stated): 1000 Genomes Project 30x 0.00031; ExAC 0.00003; gnomAD exomes 0.00006; ESP Exome Variant Server 0.00008; 1000 Genomes Project 0.00020; gnomAD 0.00027 and 0.00029; TOPMed 0.00028.
gnomAD v4.1: 77 of 1,613,628 alleles (0.0048%); highest among the groups gnomAD compares: African/African-American, 0.089%; no homozygotes.

Submissions (4):

Genomenon, Inc
Classification: Uncertain significance for Familial intrahepatic cholestasis; Low phospholipid associated cholelithiasis. Last evaluated: 2026-04-14. Review status: criteria provided, single submitter. Criteria: Genomenon Sequence Variant Interpretation Standards - Updated. Collection method: curation. Allele origin: germline. Affected: no.
Comment: ABCB4 c.2395-3T>C is an intronic variant located in the acceptor splice region of intron 19. This variant has been reported in the published literature (PMID:35894240). In conclusion, we classify ABCB4 c.2395-3T>C as a variant of uncertain significance.

Labcorp Genetics (formerly Invitae), Labcorp
Classification: Uncertain significance. Last evaluated: 2024-10-22. Review status: criteria provided, single submitter. Criteria: Invitae Variant Classification Sherloc (09022015). Collection method: clinical testing. Allele origin: germline.
Comment: This sequence change falls in intron 19 of the ABCB4 gene. It does not directly change the encoded amino acid sequence of the ABCB4 protein. It affects a nucleotide within the consensus splice site. This variant is present in population databases (rs377462787, gnomAD 0.07%). This variant has been observed in individual(s) with Chronic liver disease (NAFLD) (PMID: 35894240). ClinVar contains an entry for this variant (Variation ID: 500798). Variants that disrupt the consensus splice site are a relatively common cause of aberrant splicing (PMID: 17576681, 9536098). Algorithms developed to predict the effect of sequence changes on RNA splicing suggest that this variant is not likely to affect RNA splicing. In summary, the available evidence is currently insufficient to determine the role of this variant in disease. Therefore, it has been classified as a Variant of Uncertain Significance.

Eurofins Ntd Llc (ga)
Classification: Uncertain significance. Last evaluated: 2018-09-13. Review status: criteria provided, single submitter. Criteria: EGL ClinVar v180209 classification definitions. Collection method: clinical testing. Allele origin: germline. Observed: 2 variant alleles, 2 heterozygotes.

PreventionGenetics, part of Exact Sciences
Classification: Likely benign for ABCB4-related condition. Last evaluated: 2022-06-14. Review status: no assertion criteria provided. Collection method: clinical testing. Allele origin: germline. Not counted in ClinVar's aggregate classification.
Comment: This variant is classified as likely benign based on ACMG/AMP sequence variant interpretation guidelines (Richards et al. 2015 PMID: 25741868, with internal and published modifications).

Literature cited by the submitters: PubMed 35894240 (cited by Genomenon, Inc and Labcorp Genetics (formerly Invitae), Labcorp); PubMed 17576681 (cited by Labcorp Genetics (formerly Invitae), Labcorp); PubMed 9536098 (cited by Labcorp Genetics (formerly Invitae), Labcorp).

NM_000443.4(ABCB4):c.2395-3T>C

Gene: ABCB4 (ATP binding cassette subfamily B member 4; minus strand). Cytogenetic location: 7q21.12.
Variant type: single nucleotide variant.
Coding change: c.2395-3T>C on transcript NM_000443.4 (MANE Select); 3 bases into the intron before coding-DNA position 2395, T replaced by C.
Molecular consequence: intron variant.
Genome position (GRCh38, 1-based): chr7:87,418,623, A>G on the plus strand (T>C on the coding strand, the complement: ABCB4 is on the minus strand). VCF-style: chr7-87418623-A-G. GRCh37 (hg19) VCF-style: chr7-87047939-A-G.
Other names: c.2395-3T>C (NM_000443.3, NM_018850.3, NM_018849.3).
Identifiers: ClinVar variation 500798 (VCV000500798.10), dbSNP rs377462787, ClinGen allele CA4327019.